The following is an entry in ClinVar:

NM_001184880.2(PCDH19):c.1360_1361delinsAA (p.Ser454Asn)

Gene: PCDH19 (protocadherin 19; minus strand). Cytogenetic location: Xq22.1.
Variant type: Indel.
Coding change: c.1360_1361delinsAA on transcript NM_001184880.2 (MANE Select); coding-DNA positions 1360 to 1361, TC replaced by AA.
Protein change: p.Ser454Asn; replaces serine 454 with asparagine.
Molecular consequence: missense variant.
Genome position (GRCh38, 1-based): chrX:100,407,237-100,407,238, GA replaced by TT on the plus strand (TC replaced by AA on the coding strand, the reverse complement: PCDH19 is on the minus strand). VCF-style: chrX-100407237-GA-TT. GRCh37 (hg19) VCF-style: chrX-99662235-GA-TT.
Other names: c.1360_1361delinsAA, p.Ser454Asn (NM_001105243.2, NM_020766.3); c.1360_1361delinsAA (NM_001184880.1); short protein forms S454N.
Identifiers: ClinVar variation 1395976 (VCV001395976.8), dbSNP rs2147538982, ClinGen allele CA2573159041.

ClinVar aggregate classification (germline): Uncertain significance. Review status: criteria provided, multiple submitters, no conflicts (2 of 4 stars). 2 submissions from 2 submitters: Uncertain significance (2). Last evaluated 2025-10-07.

Conditions:
Developmental and epileptic encephalopathy, 9 (DEE9). Also called: JUBERG-HELLMAN SYNDROME; PCDH19-Related X-Linked Female-Limited Epilepsy with Mental Retardation; Early infantile epileptic encephalopathy 9; EPILEPSY, FEMALE-RESTRICTED, WITH MENTAL RETARDATION. Identifiers: Orphanet 101039, Orphanet 2076, MedGen C1848137, MONDO:0010246, OMIM 300088. Disease mechanism: loss of function.

Submissions (2):

GeneDx
Classification: Uncertain significance. Last evaluated: 2025-10-07. Review status: criteria provided, single submitter. Criteria: GeneDx Variant Classification Process June 2021. Collection method: clinical testing. Allele origin: germline.
Comment: Not observed at significant frequency in large population cohorts (gnomAD); In silico analysis supports a deleterious effect on protein structure/function; Has not been previously published as pathogenic or benign to our knowledge

Labcorp Genetics (formerly Invitae), Labcorp
Classification: Uncertain significance for Developmental and epileptic encephalopathy, 9. Last evaluated: 2024-05-28. Review status: criteria provided, single submitter. Criteria: Invitae Variant Classification Sherloc (09022015). Collection method: clinical testing. Allele origin: germline.
Comment: This sequence change replaces serine, which is neutral and polar, with asparagine, which is neutral and polar, at codon 454 of the PCDH19 protein (p.Ser454Asn). This variant is present in population databases (no rsID available, gnomAD 0.0005%). This variant has not been reported in the literature in individuals affected with PCDH19-related conditions. ClinVar contains an entry for this variant (Variation ID: 1395976). An algorithm developed to predict the effect of missense changes on protein structure and function (PolyPhen-2) suggests that this variant is likely to be disruptive. In summary, the available evidence is currently insufficient to determine the role of this variant in disease. Therefore, it has been classified as a Variant of Uncertain Significance.